The following is an entry in ClinVar:

NM_001903.5(CTNNA1):c.2718C>T (p.Ile906=)

Gene: CTNNA1 (catenin alpha 1; plus strand). Cytogenetic location: 5q31.2.
Variant type: single nucleotide variant.
Coding change: c.2718C>T on transcript NM_001903.5 (MANE Select); coding-DNA position 2718, C replaced by T.
Protein change: p.Ile906=; no amino-acid change (isoleucine 906 retained).
Molecular consequence: synonymous variant. On other transcripts: 3 prime UTR variant (5).
Genome position (GRCh38, 1-based): chr5:138,934,086, C>T. VCF-style: chr5-138934086-C-T. GRCh37 (hg19) VCF-style: chr5-138269775-C-T.
Other names: c.1608C>T, p.Ile536= (NM_001290312.1, NM_001323987.1, NM_001323988.1 and 12 more transcripts); c.2718C>T, p.Ile906= (NM_001323982.2, NM_001323983.1, NM_001323984.2); c.2691C>T, p.Ile897= (NM_001323985.2); c.2625C>T, p.Ile875= (NM_001323986.2); c.*263C>T (NM_001290307.3, NM_001324002.1, NM_001324003.1 and 2 more transcripts); c.2409C>T, p.Ile803= (NM_001290309.3); c.2349C>T, p.Ile783= (NM_001290310.3); c.2718C>T (NM_001903.2); and 4 more.
Identifiers: ClinVar variation 1136347 (VCV001136347.11), dbSNP rs2150360699, ClinGen allele CA446793672.

ClinVar aggregate classification (germline): Benign/Likely benign. Review status: criteria provided, multiple submitters, no conflicts (2 of 4 stars). 3 submissions from 3 submitters: Benign (1); Likely benign (2). Last evaluated 2024-10-15.

Conditions:
Hereditary cancer-predisposing syndrome. Also called: Neoplastic Syndromes, Hereditary; Hereditary neoplastic syndrome; Tumor predisposition; Hereditary Cancer Syndrome. Identifiers: Orphanet 140162, MedGen C0027672, MeSH D009386, MONDO:0015356.
Hereditary diffuse gastric adenocarcinoma (HDGC). Also called: DIFFUSE GASTRIC AND LOBULAR BREAST CANCER SYNDROME. Identifiers: Orphanet 26106, MedGen C1708349, MONDO:0007648, OMIM 137215.

Submissions (3):

Myriad Genetics, Inc.
Classification: Benign for Hereditary diffuse gastric adenocarcinoma. Last evaluated: 2024-10-15. Review status: criteria provided, single submitter. Criteria: Myriad Autosomal Dominant, Autosomal Recessive and X-Linked Classification Criteria (2023). Collection method: clinical testing. Allele origin: unknown.
Comment: This variant is considered benign. This variant is a silent/synonymous amino acid change and it is not expected to impact splicing.

Ambry Genetics
Classification: Likely benign for Hereditary cancer-predisposing syndrome. Last evaluated: 2023-08-02. Review status: criteria provided, single submitter. Criteria: Ambry Variant Classification Scheme 2023. Collection method: clinical testing. Allele origin: germline.

Labcorp Genetics (formerly Invitae), Labcorp
Classification: Likely benign. Last evaluated: 2021-02-12. Review status: criteria provided, single submitter. Criteria: Invitae Variant Classification Sherloc (09022015). Collection method: clinical testing. Allele origin: germline.